The following is an entry in ClinVar:

ClinVar aggregate classification (germline): Likely pathogenic. Review status: criteria provided, multiple submitters, no conflicts (2 of 4 stars). 2 submissions from 2 submitters: Likely pathogenic (2). Last evaluated 2023-06-06.

Conditions:
CD36-related disorder. Also called: CD36-related condition; CD36-related disorders.
Coronary heart disease, susceptibility to, 7. Identifiers: MedGen C1970441, MONDO:0012585, OMIM 610938.
Platelet-type bleeding disorder 10. Also called: CD36 DEFICIENCY. Identifiers: MedGen C1842090, MONDO:0012031, OMIM 608404.
Malaria, susceptibility to. Identifiers: Orphanet 673, MedGen C1970028, MONDO:0021024, OMIM 611162.

Allele frequency attached by ClinVar (database versions not stated): gnomAD exomes below 0.00001; TOPMed 0.00002.

Submissions (2):

PreventionGenetics, part of Exact Sciences
Classification: Likely pathogenic for CD36-related condition. Last evaluated: 2023-06-06. Review status: criteria provided, single submitter. Criteria: ACMG Guidelines, 2015. Collection method: clinical testing. Allele origin: germline.
Comment: The CD36 c.1236delT variant is predicted to result in a frameshift and premature protein termination (p.Ile413Phefs*22). This variant was reported in a homozygous individual with CD36 deficiency. CD36 expression was also absent in patient platelet cells (Xu et al 2014. PubMed ID: 24960640; Liu et al. 2020. PubMed ID: 32487483). This variant is reported in 0.0055% of alleles in individuals of East Asian descent in gnomAD. Frameshift variants in CD36 are expected to be pathogenic. This variant is interpreted as likely pathogenic.

Juno Genomics, Hangzhou Juno Genomics, Inc
Classification: Likely pathogenic for Coronary heart disease, susceptibility to, 7; Malaria, susceptibility to; Platelet-type bleeding disorder 10. Review status: criteria provided, single submitter. Criteria: ACMG Guidelines, 2015. Collection method: clinical testing. Allele origin: germline.
Comment: Absent from controls (or at extremely low frequency if recessive) in Genome Aggregation Database.;Null variant in a gene where loss of function (LOF) is a known mechanism of disease.

NM_001001548.3(CD36):c.1236del (p.Ile413fs)

Gene: CD36 (CD36 molecule (CD36 blood group); plus strand). Cytogenetic location: 7q21.11.
Variant type: Deletion.
Coding change: c.1236del on transcript NM_001001548.3 (MANE Select); coding-DNA position 1236, one base deleted (T; older notation c.1236delT).
Protein change: p.Ile413fs; shifts the reading frame from isoleucine 413.
Molecular consequence: frameshift variant. On other transcripts: non-coding transcript variant (1).
Genome position (GRCh38, 1-based): chr7:80,673,391, T deleted. VCF-style (leftmost placement, unchanged base first): chr7-80673390-CT-C. GRCh37 (hg19) VCF-style: chr7-80302706-CT-C.
Other names: c.1236del, p.Ile413fs (NM_000072.3, NM_001001547.3, NM_001127443.2 and 5 more transcripts); c.1119del, p.Ile374fs (NM_001289908.1); c.1056del, p.Ile353fs (NM_001289909.1); c.1008del, p.Ile337fs (NM_001289911.2); c.1134del, p.Ile379fs (NM_001371079.1); c.771del, p.Ile258fs (NM_001371080.1, NM_001371081.1); short protein forms I258fs, I337fs, I353fs, I374fs, I379fs, I413fs.
Identifiers: ClinVar variation 2636233 (VCV002636233.3), dbSNP rs1451278617, ClinGen allele CA575791702.